The following is an entry in ClinVar:

ClinVar aggregate classification (germline): Uncertain significance (1 of 4 stars; one submission).

Conditions:
Hereditary cancer-predisposing syndrome. Also called: Tumor predisposition; Hereditary neoplastic syndrome; Neoplastic Syndromes, Hereditary; Hereditary Cancer Syndrome. Identifiers: Orphanet 140162, MedGen C0027672, MeSH D009386, MONDO:0015356.

Submission:

Ambry Genetics
Classification: Uncertain significance for Hereditary cancer-predisposing syndrome. Last evaluated: 2025-05-09. Review status: criteria provided, single submitter. Criteria: Ambry Variant Classification Scheme 2023. Collection method: clinical testing. Allele origin: germline.
Comment: The p.M1? variant (also known as c.1A>T) is located in coding exon 1 of the CDKN1B gene and results from an A to T substitution at nucleotide position 1. This alters the methionine residue at the initiation codon (ATG). Variations that modify the initiation codon (ATG) are expected to result in either loss of translation initiation, N-terminal truncation, or cause a shift in the mRNA reading frame; however, there is an in-frame methionine 15 amino acids from the initiation site, which may result in N-terminal truncation of unknown functional significance. Since supporting evidence is limited at this time, the clinical significance of this alteration remains unclear.

NM_004064.5(CDKN1B):c.1A>T (p.Met1Leu)

Gene: CDKN1B (cyclin dependent kinase inhibitor 1B; plus strand). Cytogenetic location: 12p13.1.
Variant type: single nucleotide variant.
Coding change: c.1A>T on transcript NM_004064.5 (MANE Select); coding-DNA position 1, A replaced by T.
Protein change: p.Met1Leu; changes the start codon (methionine 1).
Molecular consequence: missense variant, initiator codon variant.
Genome position (GRCh38, 1-based): chr12:12,717,840, A>T. VCF-style: chr12-12717840-A-T. GRCh37 (hg19) VCF-style: chr12-12870774-A-T.
Other names: short protein forms M1L.
Identifiers: ClinVar variation 3999749 (VCV003999749.1).